The following is an entry in ClinVar:

ClinVar aggregate classification (germline): Uncertain significance (1 of 4 stars; one submission).

Allele frequency attached by ClinVar (database versions not stated): ExAC 0.00001.

Submission:

Labcorp Genetics (formerly Invitae), Labcorp
Classification: Uncertain significance. Last evaluated: 2022-07-01. Review status: criteria provided, single submitter. Criteria: Invitae Variant Classification Sherloc (09022015). Collection method: clinical testing. Allele origin: germline.
Comment: In summary, the available evidence is currently insufficient to determine the role of this variant in disease. Therefore, it has been classified as a Variant of Uncertain Significance. Advanced modeling of protein sequence and biophysical properties (such as structural, functional, and spatial information, amino acid conservation, physicochemical variation, residue mobility, and thermodynamic stability) performed at Invitae indicates that this missense variant is not expected to disrupt KMT2A protein function. This variant has not been reported in the literature in individuals affected with KMT2A-related conditions. This variant is present in population databases (rs782585360, gnomAD 0.0009%). This sequence change replaces leucine, which is neutral and non-polar, with valine, which is neutral and non-polar, at codon 2368 of the KMT2A protein (p.Leu2368Val).

NM_001197104.2(KMT2A):c.7102C>G (p.Leu2368Val)

Gene: KMT2A (lysine methyltransferase 2A; plus strand). Cytogenetic location: 11q23.3.
Variant type: single nucleotide variant.
Coding change: c.7102C>G on transcript NM_001197104.2 (MANE Select); coding-DNA position 7102, C replaced by G.
Protein change: p.Leu2368Val; replaces leucine 2368 with valine.
Molecular consequence: missense variant.
Genome position (GRCh38, 1-based): chr11:118,502,994, C>G. VCF-style: chr11-118502994-C-G. GRCh37 (hg19) VCF-style: chr11-118373709-C-G.
Other names: c.7192C>G, p.Leu2398Val (NM_001412597.1); c.7093C>G, p.Leu2365Val (NM_005933.4); short protein forms L2365V, L2398V, L2368V.
Identifiers: ClinVar variation 2012862 (VCV002012862.4), dbSNP rs782585360, ClinGen allele CA6304359.